The following is an entry in ClinVar:

ClinVar aggregate classification (germline): Uncertain significance (1 of 4 stars; one submission).

Conditions:
Fanconi anemia (FA). Also called: Fanconi's anemia. Identifiers: Orphanet 84, MedGen C0015625, MeSH D005199, MONDO:0019391.

Allele frequency attached by ClinVar (database versions not stated): gnomAD exomes below 0.00001; gnomAD 0.00001.
gnomAD v4.1: 5 of 1,614,082 alleles (0.00031%); highest among the groups gnomAD compares: Non-Finnish European, 0.00042%; no homozygotes.

Submission:

Labcorp Genetics (formerly Invitae), Labcorp
Classification: Uncertain significance for Fanconi anemia. Last evaluated: 2022-05-25. Review status: criteria provided, single submitter. Criteria: Invitae Variant Classification Sherloc (09022015). Collection method: clinical testing. Allele origin: germline.
Comment: In summary, the available evidence is currently insufficient to determine the role of this variant in disease. Therefore, it has been classified as a Variant of Uncertain Significance. Algorithms developed to predict the effect of missense changes on protein structure and function output the following: SIFT: "Tolerated"; PolyPhen-2: "Benign"; Align-GVGD: "Class C0". The glycine amino acid residue is found in multiple mammalian species, which suggests that this missense change does not adversely affect protein function. This variant has not been reported in the literature in individuals affected with FANCF-related conditions. This variant is present in population databases (no rsID available, gnomAD 0.0009%). This sequence change replaces arginine, which is basic and polar, with glycine, which is neutral and non-polar, at codon 360 of the FANCF protein (p.Arg360Gly).

NM_022725.4(FANCF):c.1078A>G (p.Arg360Gly)

Genes: FANCF (FA complementation group F; minus strand), LOC130005443 (ATAC-STARR-seq lymphoblastoid active region 4533; plus strand). Cytogenetic location: 11p14.3.
Variant type: single nucleotide variant.
Coding change: c.1078A>G on transcript NM_022725.4 (MANE Select); coding-DNA position 1078, A replaced by G.
Protein change: p.Arg360Gly; replaces arginine 360 with glycine.
Molecular consequence: missense variant.
Genome position (GRCh38, 1-based): chr11:22,624,733, T>C on the plus strand (A>G on the coding strand, the complement: FANCF is on the minus strand). VCF-style: chr11-22624733-T-C. GRCh37 (hg19) VCF-style: chr11-22646279-T-C.
Other names: short protein forms R360G.
Identifiers: ClinVar variation 1476107 (VCV001476107.6), dbSNP rs1357749824, ClinGen allele CA380057724.